The following is an entry in ClinVar:

NM_203446.3(SYNJ1):c.*333C>T

Gene: SYNJ1 (synaptojanin 1; minus strand). Cytogenetic location: 21q22.11.
Variant type: single nucleotide variant.
Coding change: c.*333C>T on transcript NM_203446.3 (MANE Select); 333 bases downstream of the stop codon, C replaced by T.
Molecular consequence: 3 prime UTR variant. On other transcripts: synonymous variant (2).
Genome position (GRCh38, 1-based): chr21:32,631,472, G>A on the plus strand (C>T on the coding strand, the complement: SYNJ1 is on the minus strand). VCF-style: chr21-32631472-G-A. GRCh37 (hg19) VCF-style: chr21-34003782-G-A.
Other names: c.*333C>T (NM_001160302.2); c.4104C>T, p.Asn1368= (NM_001160306.2); c.4362C>T, p.Asn1454= (NM_003895.4).
Identifiers: ClinVar variation 727422 (VCV000727422.12), dbSNP rs548047319, ClinGen allele CA10003129.

ClinVar aggregate classification (germline): Likely benign. Review status: criteria provided, multiple submitters, no conflicts (2 of 4 stars). 2 submissions from 2 submitters: Likely benign (2). Last evaluated 2025-04-29.

Conditions:
SYNJ1-related disorder. Also called: SYNJ1-related condition.
Early-onset Parkinson disease 20. Also called: PARKINSON DISEASE 20, AUTOSOMAL RECESSIVE EARLY-ONSET. Identifiers: Orphanet 391411, MedGen C3809824, MONDO:0014233, OMIM 615530.
Developmental and epileptic encephalopathy, 53. Also called: Epileptic encephalopathy, early infantile, 53. Identifiers: MedGen C4479313, MONDO:0033362, OMIM 617389.

Allele frequency attached by ClinVar (database versions not stated): ExAC 0.00001; gnomAD exomes 0.00001; gnomAD 0.00004 and 0.00023; TOPMed 0.00031.
gnomAD v4.1: 37 of 1,614,026 alleles (0.0023%); highest among the groups gnomAD compares: African/African-American, 0.0053%; no homozygotes.

Submissions (2):

Labcorp Genetics (formerly Invitae), Labcorp
Classification: Likely benign for Developmental and epileptic encephalopathy, 53; Early-onset Parkinson disease 20. Last evaluated: 2025-04-29. Review status: criteria provided, single submitter. Criteria: Invitae Variant Classification Sherloc (09022015). Collection method: clinical testing. Allele origin: germline.

PreventionGenetics, part of Exact Sciences
Classification: Likely benign for SYNJ1-related condition. Last evaluated: 2025-03-06. Review status: criteria provided, single submitter. Criteria: ACMG Guidelines, 2015. Collection method: clinical testing. Allele origin: germline.
Comment: This variant is classified as likely benign based on ACMG/AMP sequence variant interpretation guidelines (Richards et al. 2015 PMID: 25741868, with internal and published modifications).